The following is an entry in ClinVar:

ClinVar aggregate classification (germline): Likely benign (1 of 4 stars; one submission).

Allele frequency attached by ClinVar (database versions not stated): 1000 Genomes Project 0.00839; gnomAD 0.00855 and 0.00923; TOPMed 0.00917; 1000 Genomes Project 30x 0.00921.
gnomAD v4.1: 1,285 of 152,194 alleles (0.84%); highest among the groups gnomAD compares: African/African-American, 2.9%; 19 homozygotes.

Submission:

GeneDx
Classification: Likely benign. Last evaluated: 2018-06-16. Review status: criteria provided, single submitter. Criteria: GeneDx Variant Classification (06012015). Collection method: clinical testing. Allele origin: germline. Affected: yes.
Comment: This variant is considered likely benign or benign based on one or more of the following criteria: it is a conservative change, it occurs at a poorly conserved position in the protein, it is predicted to be benign by multiple in silico algorithms, and/or has population frequency not consistent with disease.

NM_001999.4(FBN2):c.827-279G>A

Gene: FBN2 (fibrillin 2; minus strand). Cytogenetic location: 5q23.3.
Variant type: single nucleotide variant.
Coding change: c.827-279G>A on transcript NM_001999.4 (MANE Select); 279 bases into the intron before coding-DNA position 827, G replaced by A.
Molecular consequence: intron variant.
Genome position (GRCh38, 1-based): chr5:128,446,885, C>T on the plus strand (G>A on the coding strand, the complement: FBN2 is on the minus strand). VCF-style: chr5-128446885-C-T. GRCh37 (hg19) VCF-style: chr5-127782578-C-T.
Identifiers: ClinVar variation 673549 (VCV000673549.1), dbSNP rs150728994, ClinGen allele CA127030478.